The following is an entry in ClinVar:

ClinVar aggregate classification (germline): Likely pathogenic (1 of 4 stars; one submission).

Conditions:
Dyskeratosis congenita. Identifiers: Orphanet 1775, MedGen C0265965, MONDO:0015780.

Submission:

Labcorp Genetics (formerly Invitae), Labcorp
Classification: Likely pathogenic for Dyskeratosis congenita. Last evaluated: 2022-03-28. Review status: criteria provided, single submitter. Criteria: Invitae Variant Classification Sherloc (09022015). Collection method: clinical testing. Allele origin: germline.
Comment: This sequence change affects an acceptor splice site in intron 3 of the CTC1 gene. It is expected to disrupt RNA splicing. Variants that disrupt the donor or acceptor splice site typically lead to a loss of protein function (PMID: 16199547), and loss-of-function variants in CTC1 are known to be pathogenic (PMID: 22267198, 22387016). This variant is not present in population databases (gnomAD no frequency). This variant has not been reported in the literature in individuals affected with CTC1-related conditions. Algorithms developed to predict the effect of sequence changes on RNA splicing suggest that this variant may disrupt the consensus splice site. In summary, the currently available evidence indicates that the variant is pathogenic, but additional data are needed to prove that conclusively. Therefore, this variant has been classified as Likely Pathogenic.

Literature cited by the submitters: PubMed 16199547; PubMed 22267198; PubMed 22387016.

NM_025099.6(CTC1):c.436-1G>A

Gene: CTC1 (CST telomere replication complex component 1; minus strand). Cytogenetic location: 17p13.1.
Variant type: single nucleotide variant.
Coding change: c.436-1G>A on transcript NM_025099.6 (MANE Select); the canonical splice acceptor site of the intron before coding-DNA position 436, G replaced by A.
Molecular consequence: splice acceptor variant.
Genome position (GRCh38, 1-based): chr17:8,238,243, C>T on the plus strand (G>A on the coding strand, the complement: CTC1 is on the minus strand). VCF-style: chr17-8238243-C-T. GRCh37 (hg19) VCF-style: chr17-8141561-C-T.
Other names: c.436-1G>A (NM_001411067.1).
Identifiers: ClinVar variation 2140946 (VCV002140946.4), dbSNP rs2507948437, ClinGen allele CA397992945.
Genomic context (GRCh38, chr17:8,238,243, plus strand): 5'-GTAACTCCAACGGGGGAACAGAAAAAGATGGCCCAACCAAGAAAGGTCCAGGTCTATGAG[C>T]TAAGAAAGACCAAGAGCAAGGGTTAATCAGAACCTTAGCATCCTATCCACCCACCTCCCC-3'